The following is an entry in ClinVar:

NM_024753.5(TTC21B):c.1358T>G (p.Met453Arg)

Gene: TTC21B (tetratricopeptide repeat domain 21B; minus strand). Cytogenetic location: 2q24.3.
Variant type: single nucleotide variant.
Coding change: c.1358T>G on transcript NM_024753.5 (MANE Select); coding-DNA position 1358, T replaced by G.
Protein change: p.Met453Arg; replaces methionine 453 with arginine.
Molecular consequence: missense variant.
Genome position (GRCh38, 1-based): chr2:165,929,163, A>C on the plus strand (T>G on the coding strand, the complement: TTC21B is on the minus strand). VCF-style: chr2-165929163-A-C. GRCh37 (hg19) VCF-style: chr2-166785673-A-C.
Other names: short protein forms M453R.
Identifiers: ClinVar variation 1916287 (VCV001916287.2), dbSNP rs373845234, ClinGen allele CA349064154.

ClinVar aggregate classification (germline): Uncertain significance (1 of 4 stars; one submission).

Conditions:
Nephronophthisis. Also called: Juvenile Nephronophthisis. Identifiers: Orphanet 655, MedGen C0687120, MONDO:0019005, HP:0000090.
Jeune thoracic dystrophy. Also called: Short-rib thoracic dysplasia; Jeune syndrome; Infantile thoracic dystrophy; Thoracic pelvic phalangeal dystrophy; Jeune's syndrome; Chondroectodermal dysplasia-like syndrome. Identifiers: Orphanet 474, MedGen C0265275, MONDO:0018770.

Submission:

Labcorp Genetics (formerly Invitae), Labcorp
Classification: Uncertain significance for Jeune thoracic dystrophy; Nephronophthisis. Last evaluated: 2021-12-26. Review status: criteria provided, single submitter. Criteria: Invitae Variant Classification Sherloc (09022015). Collection method: clinical testing. Allele origin: germline.
Comment: This sequence change replaces methionine, which is neutral and non-polar, with arginine, which is basic and polar, at codon 453 of the TTC21B protein (p.Met453Arg). This variant is not present in population databases (gnomAD no frequency). This variant has not been reported in the literature in individuals affected with TTC21B-related conditions. Algorithms developed to predict the effect of missense changes on protein structure and function (SIFT, PolyPhen-2, Align-GVGD) all suggest that this variant is likely to be tolerated. In summary, the available evidence is currently insufficient to determine the role of this variant in disease. Therefore, it has been classified as a Variant of Uncertain Significance.